The following is an entry in ClinVar:

NM_002528.7(NTHL1):c.426_445del (p.Met143fs)

Gene: NTHL1 (nth like DNA glycosylase 1; minus strand). Cytogenetic location: 16p13.3.
Variant type: Deletion.
Coding change: c.426_445del on transcript NM_002528.7 (MANE Select); coding-DNA positions 426 to 445, 20 bases deleted (CATGCAGCGACTGCGGGCGC).
Protein change: p.Met143fs; shifts the reading frame from methionine 143.
Molecular consequence: frameshift variant. On other transcripts: intron variant (1).
Genome position (GRCh38, 1-based): chr16:2,044,710-2,044,729, GCGCCCGCAGTCGCTGCATG deleted on the plus strand (CATGCAGCGACTGCGGGCGC on the coding strand, the reverse complement: NTHL1 is on the minus strand); deleting any 20 consecutive bases within chr16:2,044,710-2,044,737 gives the same sequence; the c. name uses the placement nearest the transcript's 3' end. VCF-style (leftmost placement, unchanged base first): chr16-2044709-CGCGCCCGCAGTCGCTGCATG-C. GRCh37 (hg19) VCF-style: chr16-2094710-CGCGCCCGCAGTCGCTGCATG-C.
Other names: c.96_115del, p.Met33fs (NM_001318194.2); c.355-1003_355-984del (NM_001318193.2); short protein forms M143fs, M33fs.
Identifiers: ClinVar variation 2576030 (VCV002576030.1), dbSNP rs2548316271, ClinGen allele CA2580613387.
Genomic context (GRCh38, chr16:2,044,709, plus strand): 5'-TAGATGAGCTTGCCCAGCGTGGCATCATCTGTCTGCAGGATGCTGTCCACCGTCAGGCCC[CGCGCCCGCAGTCGCTGCATG>C]GCGCCCGCCGTCACCTGGTCTTTGGTTTGGCTGGAGAGCATCAGTGACAGCAGCACCTGG-3'

ClinVar aggregate classification (germline): Likely pathogenic (1 of 4 stars; one submission).

Submission:

Institute for Clinical Genetics, University Hospital TU Dresden, University Hospital TU Dresden
Classification: Likely pathogenic. Last evaluated: 2022-09-06. Review status: criteria provided, single submitter. Criteria: ACMG Guidelines, 2015. Collection method: clinical testing. Allele origin: germline.
Comment: PVS1, PM2_SUP